The following is an entry in ClinVar:

ClinVar aggregate classification (germline): Uncertain significance (1 of 4 stars; one submission).

Conditions:
CC2D2A-related disorder. Also called: CC2D2A-related condition; CC2D2A-related disorders. Identifiers: MedGen CN239313.

gnomAD v4.1: 20 of 1,536,952 alleles (0.0013%); highest among the groups gnomAD compares: South Asian, 0.0071%; no homozygotes.

Submission:

PreventionGenetics, part of Exact Sciences
Classification: Uncertain significance for CC2D2A-related condition. Last evaluated: 2025-01-14. Review status: criteria provided, single submitter. Criteria: ACMG Guidelines, 2015. Collection method: clinical testing. Allele origin: germline.
Comment: The CC2D2A c.143G>A variant is predicted to result in the amino acid substitution p.Arg48Gln. To our knowledge, this variant has not been reported in the literature. This variant is reported in 0.013% of alleles in individuals of South Asian descent in gnomAD. At this time, the clinical significance of this variant is uncertain due to the absence of conclusive functional and genetic evidence.

NM_001378615.1(CC2D2A):c.123+436G>A

Genes: CC2D2A (coiled-coil and C2 domain containing 2A; plus strand), FBXL5 (F-box and leucine rich repeat protein 5; minus strand). Cytogenetic location: 4p15.32.
Variant type: single nucleotide variant.
Coding change: c.123+436G>A on transcript NM_001378615.1 (MANE Select); 436 bases into the intron after coding-DNA position 123, G replaced by A.
Molecular consequence: intron variant. On other transcripts: 5 prime UTR variant (1), missense variant (1).
Genome position (GRCh38, 1-based): chr4:15,479,242, G>A. VCF-style: chr4-15479242-G-A. GRCh37 (hg19) VCF-style: chr4-15480866-G-A.
Other names: c.-111G>A (NM_001378617.1); c.143G>A, p.Arg48Gln (NM_020785.2); c.123+436G>A (NM_001080522.2, NM_001164720.3); short protein forms R48Q.
Identifiers: ClinVar variation 4978239 (VCV004978239.1).